The following is an entry in ClinVar:

ClinVar aggregate classification (germline): Uncertain significance (1 of 4 stars; one submission).

gnomAD v4.1: 1 of 1,611,348 alleles (0.000062%); highest among the groups gnomAD compares: African/African-American, 0.0013%; no homozygotes.

Submission:

GeneDx
Classification: Uncertain significance. Last evaluated: 2025-03-07. Review status: criteria provided, single submitter. Criteria: GeneDx Variant Classification Process June 2021. Collection method: clinical testing. Allele origin: germline. Affected: yes.
Comment: Not observed at significant frequency in large population cohorts (gnomAD); In silico analysis indicates that this missense variant does not alter protein structure/function; Has not been previously published as pathogenic or benign to our knowledge

NM_133259.4(LRPPRC):c.1058T>C (p.Val353Ala)

Gene: LRPPRC (leucine rich pentatricopeptide repeat containing; minus strand). Cytogenetic location: 2p21.
Variant type: single nucleotide variant.
Coding change: c.1058T>C on transcript NM_133259.4 (MANE Select); coding-DNA position 1058, T replaced by C.
Protein change: p.Val353Ala; replaces valine 353 with alanine.
Molecular consequence: missense variant.
Genome position (GRCh38, 1-based): chr2:43,974,247, A>G on the plus strand (T>C on the coding strand, the complement: LRPPRC is on the minus strand). VCF-style: chr2-43974247-A-G. GRCh37 (hg19) VCF-style: chr2-44201386-A-G.
Other names: short protein forms V353A.
Identifiers: ClinVar variation 4083003 (VCV004083003.1).